The following is an entry in ClinVar:

NM_001220.5(CAMK2B):c.619del (p.Leu207fs)

Gene: CAMK2B (calcium/calmodulin dependent protein kinase II beta; minus strand). Cytogenetic location: 7p13.
Variant type: Deletion.
Coding change: c.619del on transcript NM_001220.5 (MANE Select); coding-DNA position 619, one base deleted (C; older notation c.619delC).
Protein change: p.Leu207fs; shifts the reading frame from leucine 207.
Molecular consequence: frameshift variant.
Genome position (GRCh38, 1-based): chr7:44,242,637, G deleted on the plus strand (C on the coding strand, the reverse complement: CAMK2B is on the minus strand); the first of 2 consecutive G bases (chr7:44,242,637-44,242,638); deleting either gives the same sequence. VCF-style (leftmost placement, unchanged base first): chr7-44242636-AG-A. GRCh37 (hg19) VCF-style: chr7-44282235-AG-A.
Other names: c.619del, p.Leu207fs (NM_001293170.2, NM_172078.3, NM_172079.3 and 5 more transcripts); short protein forms L207fs.
Identifiers: ClinVar variation 2814687 (VCV002814687.3), dbSNP rs2486052935, ClinGen allele CA2739266419.

ClinVar aggregate classification (germline): Uncertain significance (1 of 4 stars; one submission).

Submission:

Labcorp Genetics (formerly Invitae), Labcorp
Classification: Uncertain significance. Last evaluated: 2022-11-16. Review status: criteria provided, single submitter. Criteria: Invitae Variant Classification Sherloc (09022015). Collection method: clinical testing. Allele origin: germline.
Comment: In summary, the available evidence is currently insufficient to determine the role of this variant in disease. Therefore, it has been classified as a Variant of Uncertain Significance. This variant has not been reported in the literature in individuals affected with CAMK2B-related conditions. This variant is not present in population databases (gnomAD no frequency). This sequence change creates a premature translational stop signal (p.Leu207Cysfs*47) in the CAMK2B gene. It is expected to result in an absent or disrupted protein product. However, the current clinical and genetic evidence is not sufficient to establish whether loss-of-function variants in CAMK2B cause disease.